The following is an entry in ClinVar:

NM_000153.4(GALC):c.544G>C (p.Ala182Pro)

Gene: GALC (galactosylceramidase; minus strand). Cytogenetic location: 14q31.3.
Variant type: single nucleotide variant.
Coding change: c.544G>C on transcript NM_000153.4 (MANE Select); coding-DNA position 544, G replaced by C.
Protein change: p.Ala182Pro; replaces alanine 182 with proline.
Molecular consequence: missense variant. On other transcripts: 5 prime UTR variant (2), non-coding transcript variant (1).
Genome position (GRCh38, 1-based): chr14:87,984,432, C>G on the plus strand (G>C on the coding strand, the complement: GALC is on the minus strand). VCF-style: chr14-87984432-C-G. GRCh37 (hg19) VCF-style: chr14-88450776-C-G.
Other names: c.475G>C, p.Ala159Pro (NM_001201401.2); c.466G>C, p.Ala156Pro (NM_001201402.2); c.376G>C, p.Ala126Pro (NM_001424071.1, NM_001424072.1, NM_001424073.1); c.196G>C, p.Ala66Pro (NM_001424074.1, NM_001424075.1); c.-124G>C (NM_001424076.1, NM_001424077.1); short protein forms A126P, A156P, A159P, A182P, A66P.
Identifiers: ClinVar variation 3896090 (VCV003896090.1).
Genomic context (GRCh38, chr14:87,984,432, plus strand): 5'-ATATTTTAAATATATTACTAACTCCAATATAATCAATGTCCAAATCATGGTAACGCTTGG[C>G]GCCCACAATCCAGGTCACGACATAATAGGCAGTCAGCTGAAGATTGACATAAGGCCAGTC-3'
Protein context (NP_000144.2, residues 172-192): AYYVVTWIVG[Ala182Pro]KRYHDLDIDY

ClinVar aggregate classification (germline): Uncertain significance (1 of 4 stars; one submission).

Submission:

Women's Health and Genetics/Laboratory Corporation of America, LabCorp
Classification: Uncertain significance. Last evaluated: 2025-03-19. Review status: criteria provided, single submitter. Criteria: LabCorp Variant Classification Summary - May 2015. Collection method: clinical testing. Allele origin: germline.
Comment: Variant summary: GALC c.544G>C (p.Ala182Pro) results in a non-conservative amino acid change in the encoded protein sequence. Five of five in-silico tools predict a damaging effect of the variant on protein function. The variant was absent in 249464 control chromosomes. The available data on variant occurrences in the general population are insufficient to allow any conclusion about variant significance. c.544G>C has been reported in the literature in at least one compound heterozygous individual affected with clinical features of adult-onset Krabbe Disease (e.g. Schluter_2022). These report(s) do not provide unequivocal conclusions about association of the variant with Krabbe Disease. To our knowledge, no experimental evidence demonstrating an impact on protein function has been reported. The following publication has been ascertained in the context of this evaluation (PMID: 35012964). No submitters have cited clinical-significance assessments for this variant to ClinVar. Based on the evidence outlined above, the variant was classified as uncertain significance.

Literature cited by the submitters: PubMed 35012964.